The following is an entry in ClinVar:

ClinVar aggregate classification (germline): Pathogenic/Likely pathogenic. Review status: criteria provided, multiple submitters, no conflicts (2 of 4 stars). 2 submissions from 2 submitters: Pathogenic (1); Likely pathogenic (1). Last evaluated 2025-07-02.

Conditions:
Familial hemophagocytic lymphohistiocytosis 5. Also called: STXBP2-Related Familial Hemophagocytic Lymphohistiocytosis (STXBP2-fHLH). Identifiers: Orphanet 540, MedGen C2751293, MONDO:0013135, OMIM 613101.

Allele frequency attached by ClinVar (database versions not stated): ExAC 0.00001; gnomAD exomes 0.00004.

Submissions (2):

Labcorp Genetics (formerly Invitae), Labcorp
Classification: Pathogenic for Familial hemophagocytic lymphohistiocytosis 5. Last evaluated: 2025-07-02. Review status: criteria provided, single submitter. Criteria: Invitae Variant Classification Sherloc (09022015). Collection method: clinical testing. Allele origin: germline.
Comment: This sequence change creates a premature translational stop signal (p.Glu27Glyfs*51) in the STXBP2 gene. It is expected to result in an absent or disrupted protein product. Loss-of-function variants in STXBP2 are known to be pathogenic (PMID: 19804848, 22451424). This variant is present in population databases (rs747556765, gnomAD 0.002%). This variant has not been reported in the literature in individuals affected with STXBP2-related conditions. ClinVar contains an entry for this variant (Variation ID: 2679084). Algorithms developed to predict the effect of sequence changes on RNA splicing suggest that this variant may disrupt the consensus splice site. For these reasons, this variant has been classified as Pathogenic.

Fulgent Genetics
Classification: Likely pathogenic for Familial hemophagocytic lymphohistiocytosis 5. Last evaluated: 2024-05-06. Review status: criteria provided, single submitter. Criteria: ACMG Guidelines, 2015. Collection method: clinical testing. Allele origin: germline.

Literature cited by the submitters: PubMed 19804848 (cited by Labcorp Genetics (formerly Invitae), Labcorp); PubMed 22451424 (cited by Labcorp Genetics (formerly Invitae), Labcorp).

NM_006949.4(STXBP2):c.80del (p.Glu27fs)

Gene: STXBP2 (syntaxin binding protein 2; plus strand). Cytogenetic location: 19p13.2.
Variant type: Deletion.
Coding change: c.80del on transcript NM_006949.4 (MANE Select); coding-DNA position 80, one base deleted (A; older notation c.80delA).
Protein change: p.Glu27fs; shifts the reading frame from glutamic acid 27.
Molecular consequence: frameshift variant. On other transcripts: 5 prime UTR variant (1), non-coding transcript variant (1).
Genome position (GRCh38, 1-based): chr19:7,638,768, A deleted. VCF-style (leftmost placement, unchanged base first): chr19-7638767-GA-G. GRCh37 (hg19) VCF-style: chr19-7703653-GA-G.
Other names: c.80del, p.Glu27fs (NM_001127396.3, NM_001272034.2); c.-17del (NM_001414484.1); short protein forms E27fs.
Identifiers: ClinVar variation 2679084 (VCV002679084.7), dbSNP rs747556765, ClinGen allele CA9143116.